The following is an entry in ClinVar:

ClinVar aggregate classification (germline): Uncertain significance (1 of 4 stars; one submission).

Conditions:
Hypotonia, infantile, with psychomotor retardation and characteristic facies 1 (INNFD). Identifiers: Orphanet 371364, Orphanet 700336, MedGen C3809454, MONDO:0024567, OMIM 615419.

Submission:

Centre for Mendelian Genomics, University Medical Centre Ljubljana
Classification: Uncertain significance for Hypotonia, infantile, with psychomotor retardation and characteristic facies 1. Last evaluated: 2019-05-31. Review status: criteria provided, single submitter. Criteria: ACMG Guidelines, 2015. Collection method: clinical testing. Allele origin: unknown. Affected: yes.
Comment: This variant was classified as: Uncertain significance. The following ACMG criteria were applied in classifying this variant: PM2,PP2,PP3.

NM_052867.4(NALCN):c.1100A>T (p.Asn367Ile)

Gene: NALCN (sodium leak channel, non-selective; minus strand). Cytogenetic location: 13q33.1.
Variant type: single nucleotide variant.
Coding change: c.1100A>T on transcript NM_052867.4 (MANE Select); coding-DNA position 1100, A replaced by T.
Protein change: p.Asn367Ile; replaces asparagine 367 with isoleucine.
Molecular consequence: missense variant. On other transcripts: intron variant (2).
Genome position (GRCh38, 1-based): chr13:101,283,967, T>A on the plus strand (A>T on the coding strand, the complement: NALCN is on the minus strand). VCF-style: chr13-101283967-T-A. GRCh37 (hg19) VCF-style: chr13-101936318-T-A.
Other names: c.1100A>T, p.Asn367Ile (NM_001350748.2, NM_001350749.2); c.1047+8023A>T (NM_001350751.2, NM_001350750.2); short protein forms N367I.
Identifiers: ClinVar variation 931577 (VCV000931577.3), dbSNP rs1258522527, ClinGen allele CA388704059.